The following is an entry in ClinVar:

NM_004329.3(BMPR1A):c.869-15T>C

Gene: BMPR1A (bone morphogenetic protein receptor type 1A; plus strand). Cytogenetic location: 10q23.2.
Variant type: single nucleotide variant.
Coding change: c.869-15T>C on transcript NM_004329.3 (MANE Select); 15 bases into the intron before coding-DNA position 869, T replaced by C.
Molecular consequence: intron variant.
Genome position (GRCh38, 1-based): chr10:86,919,157, T>C. VCF-style: chr10-86919157-T-C. GRCh37 (hg19) VCF-style: chr10-88678914-T-C.
Identifiers: ClinVar variation 2041248 (VCV002041248.5), dbSNP rs2539616999, ClinGen allele CA2580082118.
Genomic context (GRCh38, chr10:86,919,157, plus strand): 5'-TATCCAGAATGAGCATTACTTCTCCCTAGCCTATCTCTGATGATAACTAACCTTTTAAAC[T>C]CATCAACTGGACAGGTTTCATAGCGGCAGACATTAAAGGTACAGGTTCCTGGACTCAGCT-3'

ClinVar aggregate classification (germline): Likely benign. Review status: criteria provided, multiple submitters, no conflicts (2 of 4 stars). 2 submissions from 2 submitters: Likely benign (2). Last evaluated 2024-08-05.

Conditions:
Juvenile polyposis syndrome (JPS). Identifiers: Orphanet 2929, MedGen C0345893, MONDO:0017380, OMIM 174900.

Submissions (2):

Myriad Genetics, Inc.
Classification: Likely benign for Juvenile polyposis syndrome. Last evaluated: 2024-08-05. Review status: criteria provided, single submitter. Criteria: Myriad Autosomal Dominant, Autosomal Recessive and X-Linked Classification Criteria (2023). Collection method: clinical testing. Allele origin: unknown.
Comment: This variant is considered likely benign. This variant is intronic and is not expected to impact mRNA splicing.

Labcorp Genetics (formerly Invitae), Labcorp
Classification: Likely benign for Juvenile polyposis syndrome. Last evaluated: 2022-10-25. Review status: criteria provided, single submitter. Criteria: Invitae Variant Classification Sherloc (09022015). Collection method: clinical testing. Allele origin: germline.